The following is an entry in ClinVar:

NM_000020.3(ACVRL1):c.688A>T (p.Ile230Phe)

Gene: ACVRL1 (activin A receptor like type 1; plus strand). Cytogenetic location: 12q13.13.
Variant type: single nucleotide variant.
Coding change: c.688A>T on transcript NM_000020.3 (MANE Select); coding-DNA position 688, A replaced by T.
Protein change: p.Ile230Phe; replaces isoleucine 230 with phenylalanine.
Molecular consequence: missense variant.
Genome position (GRCh38, 1-based): chr12:51,914,501, A>T. VCF-style: chr12-51914501-A-T. GRCh37 (hg19) VCF-style: chr12-52308285-A-T.
Other names: c.376A>T, p.Ile126Phe (NM_001406494.1, NM_001406492.1, NM_001406493.1 and 2 more transcripts); c.124A>T, p.Ile42Phe (NM_001406495.1); c.688A>T, p.Ile230Phe (NM_001077401.2, NM_001406487.1, NM_001406488.1 and 1 more transcripts); short protein forms I126F, I230F, I42F.
Identifiers: ClinVar variation 2097422 (VCV002097422.4), dbSNP rs2540162683, ClinGen allele CA384900078.
Genomic context (GRCh38, chr12:51,914,501, plus strand): 5'-AAAGGCCGCTATGGCGAAGTGTGGCGGGGCTTGTGGCACGGTGAGAGTGTGGCCGTCAAG[A>T]TCTTCTCCTCGAGGGATGAACAGTCCTGGTTCCGGGAGACTGAGATCTATAACACAGTGT-3'
Protein context (NP_000011.2, residues 220-240): LWHGESVAVK[Ile230Phe]FSSRDEQSWF

ClinVar aggregate classification (germline): Likely pathogenic (1 of 4 stars; one submission).

Conditions:
Telangiectasia, hereditary hemorrhagic, type 2 (HHT2). Also called: ACVRL1-Related Hereditary Hemorrhagic Telangiectasia; Telangiectasia, hereditary hemorrhagic, type II. Identifiers: Orphanet 774, MedGen C1838163, MONDO:0010880, OMIM 600376. Disease mechanism: loss of function.

Submission:

Labcorp Genetics (formerly Invitae), Labcorp
Classification: Likely pathogenic for Telangiectasia, hereditary hemorrhagic, type 2. Last evaluated: 2022-09-10. Review status: criteria provided, single submitter. Criteria: Invitae Variant Classification Sherloc (09022015). Collection method: clinical testing. Allele origin: germline.
Comment: In summary, the currently available evidence indicates that the variant is pathogenic, but additional data are needed to prove that conclusively. Therefore, this variant has been classified as Likely Pathogenic. Advanced modeling of protein sequence and biophysical properties (such as structural, functional, and spatial information, amino acid conservation, physicochemical variation, residue mobility, and thermodynamic stability) performed at Invitae indicates that this missense variant is expected to disrupt ACVRL1 protein function. This missense change has been observed in individual(s) with clinical features of ACVRL1-related conditions (Invitae). It has also been observed to segregate with disease in related individuals. This sequence change replaces isoleucine, which is neutral and non-polar, with phenylalanine, which is neutral and non-polar, at codon 230 of the ACVRL1 protein (p.Ile230Phe). This variant is not present in population databases (gnomAD no frequency).